The following is an entry in ClinVar:

ClinVar aggregate classification (germline): Uncertain significance. Review status: criteria provided, multiple submitters, no conflicts (2 of 4 stars). 2 submissions from 2 submitters: Uncertain significance (2). Last evaluated 2026-07-23.

Conditions:
MYO5B-related disorder. Also called: MYO5B-related condition.
Inborn genetic diseases. Identifiers: MedGen C0950123, MeSH D030342.

Allele frequency attached by ClinVar (database versions not stated): TOPMed 0.00003; ExAC 0.00002; gnomAD 0.00002.
gnomAD v4.1: 173 of 1,614,060 alleles (0.011%); highest among the groups gnomAD compares: Non-Finnish European, 0.014%; no homozygotes.

Submissions (2):

PreventionGenetics, part of Exact Sciences
Classification: Uncertain significance for MYO5B-related condition. Last evaluated: 2026-07-23. Review status: criteria provided, single submitter. Criteria: ACMG Guidelines, 2015. Collection method: clinical testing. Allele origin: germline.
Comment: The MYO5B c.2285A>T variant is predicted to result in the amino acid substitution p.Asp762Val. To our knowledge, this variant has not been reported in the literature. This variant is reported in 0.0071% of alleles in individuals of European (Non-Finnish) descent in gnomAD. At this time, the clinical significance of this variant is uncertain due to the absence of conclusive functional and genetic evidence.

Ambry Genetics
Classification: Uncertain significance for Inborn genetic diseases. Last evaluated: 2025-07-18. Review status: criteria provided, single submitter. Criteria: Ambry Variant Classification Scheme 2023. Collection method: clinical testing. Allele origin: germline.

NM_001080467.3(MYO5B):c.2285A>T (p.Asp762Val)

Gene: MYO5B (myosin VB; minus strand). Cytogenetic location: 18q21.1.
Variant type: single nucleotide variant.
Coding change: c.2285A>T on transcript NM_001080467.3 (MANE Select); coding-DNA position 2285, A replaced by T.
Protein change: p.Asp762Val; replaces aspartic acid 762 with valine.
Molecular consequence: missense variant.
Genome position (GRCh38, 1-based): chr18:49,906,548, T>A on the plus strand (A>T on the coding strand, the complement: MYO5B is on the minus strand). VCF-style: chr18-49906548-T-A. GRCh37 (hg19) VCF-style: chr18-47432918-T-A.
Other names: short protein forms D762V.
Identifiers: ClinVar variation 2473084 (VCV002473084.4), dbSNP rs750716365, ClinGen allele CA8961133.